The following is an entry in ClinVar:

ClinVar aggregate classification (germline): Uncertain significance (1 of 4 stars; one submission).

Conditions:
Tumor predisposition syndrome 3 (TPDS3). Also called: Glioma susceptibility 9; LONG TELOMERE SYNDROME, POT1-RELATED; POT1 Tumor Predisposition; Melanoma, cutaneous malignant, susceptibility to, 10. Identifiers: Orphanet 618, MedGen C4014476, MONDO:0014368, OMIM 615848.

Submission:

Labcorp Genetics (formerly Invitae), Labcorp
Classification: Uncertain significance for Tumor predisposition syndrome 3. Last evaluated: 2025-02-02. Review status: criteria provided, single submitter. Criteria: Invitae Variant Classification Sherloc (09022015). Collection method: clinical testing. Allele origin: germline.
Comment: This sequence change replaces aspartic acid, which is acidic and polar, with glutamic acid, which is acidic and polar, at codon 200 of the POT1 protein (p.Asp200Glu). This variant is not present in population databases (gnomAD no frequency). This variant has not been reported in the literature in individuals affected with POT1-related conditions. Invitae Evidence Modeling of protein sequence and biophysical properties (such as structural, functional, and spatial information, amino acid conservation, physicochemical variation, residue mobility, and thermodynamic stability) indicates that this missense variant is not expected to disrupt POT1 protein function with a negative predictive value of 80%. In summary, the available evidence is currently insufficient to determine the role of this variant in disease. Therefore, it has been classified as a Variant of Uncertain Significance.

NM_015450.3(POT1):c.600C>A (p.Asp200Glu)

Gene: POT1 (protection of telomeres 1; minus strand). Cytogenetic location: 7q31.33.
Variant type: single nucleotide variant.
Coding change: c.600C>A on transcript NM_015450.3 (MANE Select); coding-DNA position 600, C replaced by A.
Protein change: p.Asp200Glu; replaces aspartic acid 200 with glutamic acid.
Molecular consequence: missense variant. On other transcripts: non-coding transcript variant (3).
Genome position (GRCh38, 1-based): chr7:124,859,059, G>T on the plus strand (C>A on the coding strand, the complement: POT1 is on the minus strand). VCF-style: chr7-124859059-G-T. GRCh37 (hg19) VCF-style: chr7-124499113-G-T.
Other names: c.207C>A, p.Asp69Glu (NM_001042594.2); short protein forms D200E, D69E.
Identifiers: ClinVar variation 3667104 (VCV003667104.2).